The following is an entry in ClinVar:

ClinVar aggregate classification (germline): Uncertain significance. Review status: criteria provided, multiple submitters, no conflicts (2 of 4 stars). 4 submissions from 4 submitters: Uncertain significance (4). Last evaluated 2024-12-08.

Conditions:
Baller-Gerold syndrome (BGS). Also called: CRANIOSYNOSTOSIS WITH RADIAL DEFECTS. Identifiers: Orphanet 1225, MedGen C0265308, MONDO:0009039, OMIM 218600.
Rothmund-Thomson syndrome type 2 (RTS2). Identifiers: Orphanet 221016, MedGen C5203410, MONDO:0016369, OMIM 268400.
Inborn genetic diseases. Identifiers: MedGen C0950123, MeSH D030342.

Allele frequency attached by ClinVar (database versions not stated): gnomAD 0.00002 and 0.00003; TOPMed 0.00002; ExAC 0.00004; gnomAD exomes 0.00004 and 0.00007; ESP Exome Variant Server 0.00016.
gnomAD v4.1: 42 of 1,561,506 alleles (0.0027%); highest among the groups gnomAD compares: Non-Finnish European, 0.0035%; no homozygotes.

Submissions (4):

Ambry Genetics
Classification: Uncertain significance for Inborn genetic diseases. Last evaluated: 2024-12-08. Review status: criteria provided, single submitter. Criteria: Ambry Variant Classification Scheme 2023. Collection method: clinical testing. Allele origin: germline.
Comment: The p.P142L variant (also known as c.425C>T), located in coding exon 5 of the RECQL4 gene, results from a C to T substitution at nucleotide position 425. The proline at codon 142 is replaced by leucine, an amino acid with similar properties. This amino acid position is conserved. In addition, this alteration is predicted to be tolerated by in silico analysis. Based on the available evidence, the clinical significance of this variant remains unclear.

Labcorp Genetics (formerly Invitae), Labcorp
Classification: Uncertain significance for Baller-Gerold syndrome. Last evaluated: 2024-10-30. Review status: criteria provided, single submitter. Criteria: Invitae Variant Classification Sherloc (09022015). Collection method: clinical testing. Allele origin: germline.
Comment: This sequence change replaces proline, which is neutral and non-polar, with leucine, which is neutral and non-polar, at codon 142 of the RECQL4 protein (p.Pro142Leu). This variant is present in population databases (rs370312522, gnomAD 0.009%). This variant has not been reported in the literature in individuals affected with RECQL4-related conditions. ClinVar contains an entry for this variant (Variation ID: 528986). Invitae Evidence Modeling of protein sequence and biophysical properties (such as structural, functional, and spatial information, amino acid conservation, physicochemical variation, residue mobility, and thermodynamic stability) indicates that this missense variant is not expected to disrupt RECQL4 protein function with a negative predictive value of 80%. In summary, the available evidence is currently insufficient to determine the role of this variant in disease. Therefore, it has been classified as a Variant of Uncertain Significance.

Blueprint Genetics
Classification: Uncertain significance. Last evaluated: 2024-09-12. Review status: criteria provided, single submitter. Criteria: ACMG Guidelines, 2015. Collection method: clinical testing. Allele origin: germline.

St. Jude Molecular Pathology, St. Jude Children's Research Hospital
Classification: Uncertain significance for Rothmund-Thomson syndrome type 2. Last evaluated: 2024-07-25. Review status: criteria provided, single submitter. Criteria: St. Jude Assertion Criteria 2020. Collection method: clinical testing. Allele origin: germline.
Comment: The RECQL4 c.425C>T (p.Pro142Leu) missense change has a maximum subpopulation frequency of 0.0090% in gnomAD v2.1.1. In silico tools predict a benign effect on protein function, but to our knowledge this prediction has not been confirmed by functional studies. To our knowledge, this variant has not been reported in individuals with RECQL4-associated conditions. In summary, the evidence currently available is insufficient to determine the clinical significance of this variant. It has therefore been classified as of uncertain significance.

NM_004260.4(RECQL4):c.425C>T (p.Pro142Leu)

Gene: RECQL4 (RecQ like helicase 4; minus strand). Cytogenetic location: 8q24.3.
Variant type: single nucleotide variant.
Coding change: c.425C>T on transcript NM_004260.4 (MANE Select); coding-DNA position 425, C replaced by T.
Protein change: p.Pro142Leu; replaces proline 142 with leucine.
Molecular consequence: missense variant.
Genome position (GRCh38, 1-based): chr8:144,516,694, G>A on the plus strand (C>T on the coding strand, the complement: RECQL4 is on the minus strand). VCF-style: chr8-144516694-G-A. GRCh37 (hg19) VCF-style: chr8-145742078-G-A.
Other names: short protein forms P142L.
Identifiers: ClinVar variation 528986 (VCV000528986.10), dbSNP rs370312522, ClinGen allele CA4949299.